The following is an entry in ClinVar:

NM_033448.3(KRT71):c.1046C>T (p.Ser349Leu)

Gene: KRT71 (keratin 71; minus strand). Cytogenetic location: 12q13.13.
Variant type: single nucleotide variant.
Coding change: c.1046C>T on transcript NM_033448.3 (MANE Select); coding-DNA position 1046, C replaced by T.
Protein change: p.Ser349Leu; replaces serine 349 with leucine.
Molecular consequence: missense variant.
Genome position (GRCh38, 1-based): chr12:52,547,915, G>A on the plus strand (C>T on the coding strand, the complement: KRT71 is on the minus strand). VCF-style: chr12-52547915-G-A. GRCh37 (hg19) VCF-style: chr12-52941699-G-A.
Other names: c.1046C>T (NM_033448.2); short protein forms S349L.
Identifiers: ClinVar variation 2045692 (VCV002045692.6), dbSNP rs141534890, ClinGen allele CA6583211.

ClinVar aggregate classification (germline): Likely benign. Review status: criteria provided, single submitter (1 of 4 stars). 2 submissions from 2 submitters: Likely benign (1). 1 of the submissions does not count toward it. Last evaluated 2025-08-06.

Conditions:
KRT71-related disorder. Also called: KRT71-related condition.

Allele frequency attached by ClinVar (database versions not stated): 1000 Genomes Project 0.00060; 1000 Genomes Project 30x 0.00062; ExAC 0.00149; gnomAD 0.00176; TOPMed 0.00199; gnomAD exomes 0.00256; ESP Exome Variant Server 0.00261.
gnomAD v4.1: 4,002 of 1,614,158 alleles (0.25%); highest among the groups gnomAD compares: Non-Finnish European, 0.32%; 9 homozygotes.

Submissions (2):

Labcorp Genetics (formerly Invitae), Labcorp
Classification: Likely benign. Last evaluated: 2025-08-06. Review status: criteria provided, single submitter. Criteria: Invitae Variant Classification Sherloc (09022015). Collection method: clinical testing. Allele origin: germline.

PreventionGenetics, part of Exact Sciences
Classification: Likely benign for KRT71-related condition. Last evaluated: 2019-08-20. Review status: no assertion criteria provided. Collection method: clinical testing. Allele origin: germline. Not counted in ClinVar's aggregate classification.
Comment: This variant is classified as likely benign based on ACMG/AMP sequence variant interpretation guidelines (Richards et al. 2015 PMID: 25741868, with internal and published modifications).